The following is an entry in ClinVar:

NM_198576.4(AGRN):c.3632-2_3632-1delinsC

Gene: AGRN (agrin; plus strand). Cytogenetic location: 1p36.33.
Variant type: Indel.
Coding change: c.3632-2_3632-1delinsC on transcript NM_198576.4 (MANE Select); the canonical splice acceptor site of the intron before coding-DNA position 3632, AG replaced by C.
Molecular consequence: splice acceptor variant.
Genome position (GRCh38, 1-based): chr1:1,047,774-1,047,775, AG replaced by C. VCF-style: chr1-1047774-AG-C. GRCh37 (hg19) VCF-style: chr1-983154-AG-C.
Other names: c.3632-2_3632-1delinsC (NM_001305275.2); c.3317-2_3317-1delinsC (NM_001364727.2).
Identifiers: ClinVar variation 4710673 (VCV004710673.1).

ClinVar aggregate classification (germline): Likely pathogenic (1 of 4 stars; one submission).

Conditions:
Congenital myasthenic syndrome 8. Also called: Myasthenic syndrome, congenital, 8, with pre- and postsynaptic defects; MYASTHENIC SYNDROME, CONGENITAL, DUE TO AGRIN DEFICIENCY. Identifiers: Orphanet 590, MedGen C3808739, MONDO:0014052, OMIM 615120.

Submission:

Labcorp Genetics (formerly Invitae), Labcorp
Classification: Likely pathogenic for Congenital myasthenic syndrome 8. Last evaluated: 2024-01-16. Review status: criteria provided, single submitter. Criteria: Invitae Variant Classification Sherloc (09022015). Collection method: clinical testing. Allele origin: germline.
Comment: This sequence change affects a splice site in intron 21 of the AGRN gene. It is expected to disrupt RNA splicing. Variants that disrupt the donor or acceptor splice site typically lead to a loss of protein function (PMID: 16199547), and loss-of-function variants in AGRN are known to be pathogenic (PMID: 24951643). Information on the frequency of this variant in the gnomAD database is not available, as this variant may be reported differently in the database. Disruption of this splice site has been observed in individual(s) with congenital myasthenic syndrome (PMID: 36099689). This variant is also known as c.3632-2_1delAGinsC. Experimental studies and prediction algorithms are not available or were not evaluated, and the effect of this variant on mRNA splicing is currently unknown. In summary, the currently available evidence indicates that the variant is pathogenic, but additional data are needed to prove that conclusively. Therefore, this variant has been classified as Likely Pathogenic.

Literature cited by the submitters: PubMed 16199547; PubMed 24951643; PubMed 36099689.